The following is an entry in ClinVar:

ClinVar aggregate classification (germline): Uncertain significance (1 of 4 stars; one submission).

Conditions:
DK1-congenital disorder of glycosylation. Also called: DOLK-congenital disorder of glycosylation; Carbohydrate deficient glycoprotein syndrome type 1m; CONGENITAL DISORDER OF GLYCOSYLATION, TYPE Im; DK1-CDG; CDG Im; DK1 DEFICIENCY. Identifiers: Orphanet 91131, MedGen C1835849, MONDO:0012556, OMIM 610768.

Submission:

Labcorp Genetics (formerly Invitae), Labcorp
Classification: Uncertain significance for DK1-congenital disorder of glycosylation. Last evaluated: 2020-09-01. Review status: criteria provided, single submitter. Criteria: Invitae Variant Classification Sherloc (09022015). Collection method: clinical testing. Allele origin: germline.
Comment: This variant is not present in population databases (ExAC no frequency). This sequence change replaces isoleucine with methionine at codon 409 of the DOLK protein (p.Ile409Met). The isoleucine residue is highly conserved and there is a small physicochemical difference between isoleucine and methionine. This variant has not been reported in the literature in individuals with DOLK-related conditions. In summary, the available evidence is currently insufficient to determine the role of this variant in disease. Therefore, it has been classified as a Variant of Uncertain Significance. Algorithms developed to predict the effect of missense changes on protein structure and function are either unavailable or do not agree on the potential impact of this missense change (SIFT: "Tolerated"; PolyPhen-2: "Probably Damaging"; Align-GVGD: "Class C0").

NM_014908.4(DOLK):c.1227C>G (p.Ile409Met)

Gene: DOLK (dolichol kinase; minus strand). Cytogenetic location: 9q34.11.
Variant type: single nucleotide variant.
Coding change: c.1227C>G on transcript NM_014908.4 (MANE Select); coding-DNA position 1227, C replaced by G.
Protein change: p.Ile409Met; replaces isoleucine 409 with methionine.
Molecular consequence: missense variant.
Genome position (GRCh38, 1-based): chr9:128,946,077, G>C on the plus strand (C>G on the coding strand, the complement: DOLK is on the minus strand). VCF-style: chr9-128946077-G-C. GRCh37 (hg19) VCF-style: chr9-131708356-G-C.
Other names: short protein forms I409M.
Identifiers: ClinVar variation 1018123 (VCV001018123.9), dbSNP rs1841659405, ClinGen allele CA375118997.